The following is an entry in ClinVar:

ClinVar aggregate classification (germline): Uncertain significance (1 of 4 stars; one submission).

Conditions:
Cardiovascular phenotype. Identifiers: MedGen CN230736.

Submission:

Ambry Genetics
Classification: Uncertain significance for Cardiovascular phenotype. Last evaluated: 2025-09-17. Review status: criteria provided, single submitter. Criteria: Ambry Variant Classification Scheme 2023. Collection method: clinical testing. Allele origin: germline.
Comment: The p.W20G variant (also known as c.58T>G), located in coding exon 1 of the GATAD1 gene, results from a T to G substitution at nucleotide position 58. The tryptophan at codon 20 is replaced by glycine, an amino acid with highly dissimilar properties. This amino acid position is conserved. In addition, this alteration is predicted to be deleterious by in silico analysis. Based on the available evidence, the clinical significance of this variant remains unclear.

NM_021167.5(GATAD1):c.58T>G (p.Trp20Gly)

Genes: GATAD1 (GATA zinc finger domain containing 1; plus strand), LOC129998793 (ATAC-STARR-seq lymphoblastoid silent region 18371; plus strand). Cytogenetic location: 7q21.2.
Variant type: single nucleotide variant.
Coding change: c.58T>G on transcript NM_021167.5 (MANE Select); coding-DNA position 58, T replaced by G.
Protein change: p.Trp20Gly; replaces tryptophan 20 with glycine.
Molecular consequence: missense variant. On other transcripts: non-coding transcript variant (1).
Genome position (GRCh38, 1-based): chr7:92,447,787, T>G. VCF-style: chr7-92447787-T-G. GRCh37 (hg19) VCF-style: chr7-92077101-T-G.
Other names: short protein forms W20G.
Identifiers: ClinVar variation 4614239 (VCV004614239.1).
Genomic context (GRCh38, chr7:92,447,787, plus strand): 5'-ACCATGCCGCTGGGCCTGAAGCCCACCTGCAGCGTATGCAAGACCACGTCGTCCTCCATG[T>G]GGAAGAAGGGAGCGCAGGGGGAGATCCTCTGCCATCATTGCACTGGCCGGGGCGGCGCGG-3'
Protein context (NP_066990.3, residues 10-30): SVCKTTSSSM[Trp20Gly]KKGAQGEILC